The following is an entry in ClinVar:

ClinVar aggregate classification (germline): Uncertain significance (1 of 4 stars; one submission).

Conditions:
Hepatic methionine adenosyltransferase deficiency. Also called: Deficiency of methionine adenosyltransferase; Methionine adenosyltransferase deficiency; Isolated Persistent Hypermethioninemia; MAT I/III DEFICIENCY. Identifiers: Orphanet 168598, MedGen C0268621, MeSH C564683, MONDO:0009607, OMIM 250850.

Allele frequency attached by ClinVar (database versions not stated): TOPMed below 0.00001; gnomAD exomes 0.00003 and 0.00007; ExAC 0.00007.
gnomAD v4.1: 18 of 1,614,198 alleles (0.0011%); highest among the groups gnomAD compares: Admixed American, 0.03%; no homozygotes.

Submission:

Labcorp Genetics (formerly Invitae), Labcorp
Classification: Uncertain significance for Hepatic methionine adenosyltransferase deficiency. Last evaluated: 2024-12-09. Review status: criteria provided, single submitter. Criteria: Invitae Variant Classification Sherloc (09022015). Collection method: clinical testing. Allele origin: germline.
Comment: This sequence change replaces alanine, which is neutral and non-polar, with valine, which is neutral and non-polar, at codon 109 of the MAT1A protein (p.Ala109Val). This variant is present in population databases (rs750359732, gnomAD 0.05%). This missense change has been observed in individual(s) with hypermethioninemia (internal data). ClinVar contains an entry for this variant (Variation ID: 1470645). Invitae Evidence Modeling of protein sequence and biophysical properties (such as structural, functional, and spatial information, amino acid conservation, physicochemical variation, residue mobility, and thermodynamic stability) indicates that this missense variant is not expected to disrupt MAT1A protein function with a negative predictive value of 80%. In summary, the available evidence is currently insufficient to determine the role of this variant in disease. Therefore, it has been classified as a Variant of Uncertain Significance.

NM_000429.3(MAT1A):c.326C>T (p.Ala109Val)

Gene: MAT1A (methionine adenosyltransferase 1A; minus strand). Cytogenetic location: 10q22.3.
Variant type: single nucleotide variant.
Coding change: c.326C>T on transcript NM_000429.3 (MANE Select); coding-DNA position 326, C replaced by T.
Protein change: p.Ala109Val; replaces alanine 109 with valine.
Molecular consequence: missense variant.
Genome position (GRCh38, 1-based): chr10:80,280,759, G>A on the plus strand (C>T on the coding strand, the complement: MAT1A is on the minus strand). VCF-style: chr10-80280759-G-A. GRCh37 (hg19) VCF-style: chr10-82040515-G-A.
Other names: short protein forms A109V.
Identifiers: ClinVar variation 1470645 (VCV001470645.6), dbSNP rs750359732, ClinGen allele CA5576821.